The following is an entry in ClinVar:

ClinVar aggregate classification (germline): Uncertain significance (1 of 4 stars; one submission).

Allele frequency attached by ClinVar (database versions not stated): gnomAD exomes below 0.00001; ExAC 0.00001.
gnomAD v4.1: 1 of 1,605,780 alleles (0.000062%); highest among the groups gnomAD compares: Non-Finnish European, 0.000085%; no homozygotes.

Submission:

Labcorp Genetics (formerly Invitae), Labcorp
Classification: Uncertain significance. Last evaluated: 2024-03-04. Review status: criteria provided, single submitter. Criteria: Invitae Variant Classification Sherloc (09022015). Collection method: clinical testing. Allele origin: germline.
Comment: This sequence change replaces valine, which is neutral and non-polar, with glutamic acid, which is acidic and polar, at codon 65 of the GRM7 protein (p.Val65Glu). The frequency data for this variant in the population databases is considered unreliable, as metrics indicate poor data quality at this position in the gnomAD database. This variant has not been reported in the literature in individuals affected with GRM7-related conditions. ClinVar contains an entry for this variant (Variation ID: 2015046). Advanced modeling of protein sequence and biophysical properties (such as structural, functional, and spatial information, amino acid conservation, physicochemical variation, residue mobility, and thermodynamic stability) performed at Invitae indicates that this missense variant is not expected to disrupt GRM7 protein function with a negative predictive value of 80%. In summary, the available evidence is currently insufficient to determine the role of this variant in disease. Therefore, it has been classified as a Variant of Uncertain Significance.

NM_000844.4(GRM7):c.194T>A (p.Val65Glu)

Gene: GRM7 (glutamate metabotropic receptor 7; plus strand). Cytogenetic location: 3p26.1.
Variant type: single nucleotide variant.
Coding change: c.194T>A on transcript NM_000844.4 (MANE Select); coding-DNA position 194, T replaced by A.
Protein change: p.Val65Glu; replaces valine 65 with glutamic acid.
Molecular consequence: missense variant.
Genome position (GRCh38, 1-based): chr3:6,861,582, T>A. VCF-style: chr3-6861582-T-A. GRCh37 (hg19) VCF-style: chr3-6903269-T-A.
Other names: c.194T>A, p.Val65Glu (NM_181874.3); short protein forms V65E.
Identifiers: ClinVar variation 2015046 (VCV002015046.4), dbSNP rs767030116, ClinGen allele CA2234534.